The following is an entry in ClinVar:

NM_019885.4(CYP26B1):c.1495G>A (p.Glu499Lys)

Gene: CYP26B1 (cytochrome P450 family 26 subfamily B member 1; minus strand). Cytogenetic location: 2p13.2.
Variant type: single nucleotide variant.
Coding change: c.1495G>A on transcript NM_019885.4 (MANE Select); coding-DNA position 1495, G replaced by A.
Protein change: p.Glu499Lys; replaces glutamic acid 499 with lysine.
Molecular consequence: missense variant.
Genome position (GRCh38, 1-based): chr2:72,132,271, C>T on the plus strand (G>A on the coding strand, the complement: CYP26B1 is on the minus strand). VCF-style: chr2-72132271-C-T. GRCh37 (hg19) VCF-style: chr2-72359400-C-T.
Other names: c.1270G>A, p.Glu424Lys (NM_001277742.2); c.1495G>A (NM_019885.2); short protein forms E424K, E499K.
Identifiers: ClinVar variation 775731 (VCV000775731.13), dbSNP rs142056257, ClinGen allele CA1707735.

ClinVar aggregate classification (germline): Likely benign. Review status: criteria provided, multiple submitters, no conflicts (2 of 4 stars). 3 submissions from 3 submitters: Likely benign (2). 1 of the submissions does not count toward it. Last evaluated 2026-01-02.

Conditions:
CYP26B1-related disorder. Also called: CYP26B1-related condition.
Inborn genetic diseases. Identifiers: MedGen C0950123, MeSH D030342.

Allele frequency attached by ClinVar (database versions not stated): gnomAD exomes 0.00018; ExAC 0.00030; 1000 Genomes Project 30x 0.00047; ESP Exome Variant Server 0.00054; 1000 Genomes Project 0.00060; gnomAD 0.00082 and 0.00086; TOPMed 0.00099.
gnomAD v4.1: 223 of 1,604,930 alleles (0.014%); highest among the groups gnomAD compares: African/African-American, 0.24%; 1 homozygote.

Submissions (3):

Labcorp Genetics (formerly Invitae), Labcorp
Classification: Likely benign. Last evaluated: 2026-01-02. Review status: criteria provided, single submitter. Criteria: Invitae Variant Classification Sherloc (09022015). Collection method: clinical testing. Allele origin: germline.

Ambry Genetics
Classification: Likely benign for Inborn genetic diseases. Last evaluated: 2024-03-19. Review status: criteria provided, single submitter. Criteria: Ambry Variant Classification Scheme 2023. Collection method: clinical testing. Allele origin: germline.

PreventionGenetics, part of Exact Sciences
Classification: Likely benign for CYP26B1-related condition. Last evaluated: 2022-12-06. Review status: no assertion criteria provided. Collection method: clinical testing. Allele origin: germline. Not counted in ClinVar's aggregate classification.
Comment: This variant is classified as likely benign based on ACMG/AMP sequence variant interpretation guidelines (Richards et al. 2015 PMID: 25741868, with internal and published modifications).